The following is an entry in ClinVar:

NM_004004.6(GJB2):c.499G>A (p.Val167Met)

Gene: GJB2 (gap junction protein beta 2; minus strand). Cytogenetic location: 13q12.11.
Variant type: single nucleotide variant.
Coding change: c.499G>A on transcript NM_004004.6 (MANE Select); coding-DNA position 499, G replaced by A.
Protein change: p.Val167Met; replaces valine 167 with methionine.
Molecular consequence: missense variant.
Genome position (GRCh38, 1-based): chr13:20,189,083, C>T on the plus strand (G>A on the coding strand, the complement: GJB2 is on the minus strand). VCF-style: chr13-20189083-C-T. GRCh37 (hg19) VCF-style: chr13-20763222-C-T.
Other names: short protein forms V167M.
Identifiers: ClinVar variation 44757 (VCV000044757.12), dbSNP rs111033360, ClinGen allele CA134983.

ClinVar aggregate classification (germline): Conflicting classifications of pathogenicity. Review status: criteria provided, conflicting classifications (1 of 4 stars). 7 submissions from 7 submitters: Uncertain significance (4); Benign (1). 2 of the submissions do not count toward it. Last evaluated 2024-11-01.

Conditions:
Ichthyosis, hystrix-like, with hearing loss. Also called: Hystrix-like ichthyosis with deafness. Identifiers: Orphanet 477, MedGen C1865234, MONDO:0011245.
Palmoplantar keratoderma-deafness syndrome. Also called: Keratoderma palmoplantar, with deafness; Palmoplantar keratoderma and sensorineural deafness; Hereditary palmoplantar keratoderma with deafness (subtype); Focal palmoplantar keratoderma with sensorineural deafness (subtype); Diffuse palmoplantar keratoderma with deafness (subtype). Identifiers: Orphanet 2202, MedGen C1835672, MONDO:0007852, OMIM 148350.
Knuckle pads, deafness AND leukonychia syndrome. Also called: Bart-Pumphrey syndrome. Identifiers: Orphanet 2698, MedGen C0266004, MONDO:0007866, OMIM 149200.
X-linked mixed hearing loss with perilymphatic gusher. Also called: Gusher syndrome; NANCE DEAFNESS; PERILYMPHATIC GUSHER-DEAFNESS SYNDROME; SENSORINEURAL DEAFNESS, PROFOUND, WITH OR WITHOUT A CONDUCTIVE COMPONENT, ASSOCIATED WITH A UNIQUE DEVELOPMENTAL ABNORMALITY OF THE EAR; Deafness, X-linked 2. Identifiers: Orphanet 383, MedGen C1844678, MONDO:0010576, OMIM 304400.
Mutilating keratoderma (VOWNKL). Also called: Keratoderma hereditarium mutilans. Identifiers: Orphanet 494, MedGen C0265964, MONDO:0007422, OMIM 124500.
Autosomal recessive nonsyndromic hearing loss 1A (DFNB1A). Also called: Connexin 26 deafness; Deafness nonsyndromic, Connexin 26 linked; GJB6-Related DFNB 1 Nonsyndromic Hearing Loss and Deafness; Deafness, autosomal recessive 1A; Nonsyndromic Hearing Loss and Deafness, DFNB1; GJB2-Related Autosomal Recessive Nonsyndromic Hearing Loss. Identifiers: Orphanet 90636, MedGen C2673759, MONDO:0009076, OMIM 220290.
Autosomal dominant keratitis-ichthyosis-hearing loss syndrome. Also called: Senter syndrome; KID SYNDROME, AUTOSOMAL DOMINANT; HID SYNDROME. Identifiers: Orphanet 477, MedGen C0265336, MONDO:0007850, OMIM 148210.
Autosomal dominant nonsyndromic hearing loss 3A. Identifiers: Orphanet 90635, MedGen C2675750, MONDO:0011103, OMIM 601544.

Allele frequency attached by ClinVar (database versions not stated): gnomAD exomes 0.00002 and 0.00004; 1000 Genomes Project 30x 0.00016; gnomAD 0.00031 and 0.00028; ExAC 0.00003; 1000 Genomes Project 0.00020; TOPMed 0.00026; ESP Exome Variant Server 0.00038.

Submissions (7):

Blueprint Genetics
Classification: Uncertain significance. Last evaluated: 2024-11-01. Review status: criteria provided, single submitter. Criteria: ACMG Guidelines, 2015. Collection method: clinical testing. Allele origin: germline.

Department of Pathology and Laboratory Medicine, Sinai Health System
Classification: Uncertain significance for Mutilating keratoderma; Autosomal dominant keratitis-ichthyosis-hearing loss syndrome; Palmoplantar keratoderma-deafness syndrome; Knuckle pads, deafness AND leukonychia syndrome; Autosomal recessive nonsyndromic hearing loss 1A; X-linked mixed hearing loss with perilymphatic gusher; Autosomal dominant nonsyndromic hearing loss 3A. Last evaluated: 2023-02-27. Review status: criteria provided, single submitter. Criteria: ACMG Guidelines, 2015. Collection method: research. Allele origin: germline.

GeneDx
Classification: Uncertain significance. Last evaluated: 2020-09-16. Review status: criteria provided, single submitter. Criteria: GeneDx Variant Classification Process June 2021. Collection method: clinical testing. Allele origin: germline. Affected: yes.
Comment: Observed in multiple individuals with apparent autosomal recessive nonsyndromic hearing loss in published literature; however, the majority of these individuals did not harbor another variant in the GJB2 gene (Gasmelseed et al., 2004; Bosch et al., 2014; Wonkam et al., 2015; Shi et al., 2016; Tingang et al., 2019); In silico analysis supports that this missense variant does not alter protein structure/function; This variant is associated with the following publications: (PMID: 17426645, 25388846, 17666888, 30245029, 31731535, 25087612, 25162826, 27534436, 26046157, 14722929)

Athena Diagnostics
Classification: Uncertain significance. Last evaluated: 2019-06-24. Review status: criteria provided, single submitter. Criteria: Athena Diagnostics Criteria. Collection method: clinical testing. Allele origin: germline.

Mendelics
Classification: Benign for Autosomal recessive nonsyndromic hearing loss 1A. Last evaluated: 2019-05-28. Review status: criteria provided, single submitter. Criteria: Mendelics Assertion Criteria 2017. Collection method: clinical testing. Allele origin: unknown.

Counsyl
Classification: Uncertain significance for Autosomal recessive nonsyndromic hearing loss 1A. Last evaluated: 2017-03-22. Review status: no assertion criteria provided. Collection method: clinical testing. Allele origin: unknown. Not counted in ClinVar's aggregate classification.

Laboratory for Molecular Medicine, Mass General Brigham Personalized Medicine
Classification: Likely benign. Last evaluated: 2007-06-29. Review status: no assertion criteria provided. Collection method: clinical testing. Allele origin: germline. Observed: 1 variant allele. Not counted in ClinVar's aggregate classification.

Literature cited by the submitters: PubMed 17666888 (cited by Athena Diagnostics and Counsyl); PubMed 25162826 (cited by Athena Diagnostics and Counsyl); PubMed 17426645 (cited by Athena Diagnostics and Laboratory for Molecular Medicine, Mass General Brigham Personalized Medicine); PubMed 25087612 (cited by Athena Diagnostics and Counsyl); PubMed 25388846 (cited by Athena Diagnostics); PubMed 14722929 (cited by 3 submitters); PubMed 17357124 (cited by 3 submitters); PubMed 27534436 (cited by Athena Diagnostics and Counsyl); PubMed 26046157 (cited by Athena Diagnostics); PubMed 29773520 (cited by Athena Diagnostics); PubMed 21392827 (cited by Athena Diagnostics); PubMed 27501294 (cited by Athena Diagnostics and Counsyl); PubMed 25266519 (cited by Counsyl); PubMed 24737404 (cited by Counsyl).